The following is an entry in ClinVar:

ClinVar aggregate classification (germline): Uncertain significance (1 of 4 stars; one submission).

gnomAD v4.1: 24 of 1,614,068 alleles (0.0015%); highest among the groups gnomAD compares: South Asian, 0.021%; no homozygotes.

Submission:

Labcorp Genetics (formerly Invitae), Labcorp
Classification: Uncertain significance. Last evaluated: 2024-06-25. Review status: criteria provided, single submitter. Criteria: Invitae Variant Classification Sherloc (09022015). Collection method: clinical testing. Allele origin: germline.
Comment: This sequence change replaces glutamic acid, which is acidic and polar, with lysine, which is basic and polar, at codon 281 of the TSPEAR protein (p.Glu281Lys). This variant is present in population databases (rs781981933, gnomAD 0.02%). This variant has not been reported in the literature in individuals affected with TSPEAR-related conditions. Advanced modeling of protein sequence and biophysical properties (such as structural, functional, and spatial information, amino acid conservation, physicochemical variation, residue mobility, and thermodynamic stability) performed at Invitae indicates that this missense variant is not expected to disrupt TSPEAR protein function with a negative predictive value of 80%. In summary, the available evidence is currently insufficient to determine the role of this variant in disease. Therefore, it has been classified as a Variant of Uncertain Significance.

NM_144991.3(TSPEAR):c.841G>A (p.Glu281Lys)

Gene: TSPEAR (thrombospondin type laminin G domain and EAR repeats; minus strand). Cytogenetic location: 21q22.3.
Variant type: single nucleotide variant.
Coding change: c.841G>A on transcript NM_144991.3 (MANE Select); coding-DNA position 841, G replaced by A.
Protein change: p.Glu281Lys; replaces glutamic acid 281 with lysine.
Molecular consequence: missense variant.
Genome position (GRCh38, 1-based): chr21:44,528,533, C>T on the plus strand (G>A on the coding strand, the complement: TSPEAR is on the minus strand). VCF-style: chr21-44528533-C-T. GRCh37 (hg19) VCF-style: chr21-45948416-C-T.
Other names: c.637G>A, p.Glu213Lys (NM_001272037.2); short protein forms E213K, E281K.
Identifiers: ClinVar variation 3695050 (VCV003695050.2).
Genomic context (GRCh38, chr21:44,528,533, plus strand): 5'-CGTTGCCAACACACAGATACAGGCCCTTCCGGCTGGCATCAAACCAGAACTGGGCGTCTT[C>T]CACCTCGGTACACGGTGGCTGGGGTCCCAGCGTCACTCGAATGTTGGTTTCTGAGGGGAA-3'
Protein context (NP_659428.2, residues 271-291): LGPQPPCTEV[Glu281Lys]DAQFWFDASR